The following is an entry in ClinVar:

ClinVar aggregate classification (germline): Conflicting classifications of pathogenicity. Review status: criteria provided, conflicting classifications (1 of 4 stars). 13 submissions from 12 submitters: Pathogenic (1); Likely pathogenic (2); Uncertain significance (9). 1 of the submissions does not count toward it. Last evaluated 2026-10-20.

Conditions:
Alpha-N-acetylgalactosaminidase deficiency. Identifiers: Orphanet 3137, MedGen C5848084, MONDO:0017779.
NAGA-related disorder. Also called: NAGA-related disorders; NAGA-related condition. Identifiers: MedGen CN378768.
Alpha-N-acetylgalactosaminidase deficiency type 2. Also called: NAGA DEFICIENCY, TYPE II; SCHINDLER DISEASE, TYPE II; ALPHA-N-ACETYLGALACTOSAMINIDASE DEFICIENCY, TYPE II. Identifiers: Orphanet 3137, Orphanet 79280, MedGen C1836522, MONDO:0012222, OMIM 609242.
Alpha-N-acetylgalactosaminidase deficiency type 3. Also called: ALPHA-N-ACETYLGALACTOSAMINIDASE DEFICIENCY, TYPE III; Schindler disease, type 3; SCHINDLER DISEASE, TYPE III. Identifiers: Orphanet 79281, MedGen C5437471, MONDO:0019264.
Alpha-N-acetylgalactosaminidase deficiency type 1. Also called: NAGA DEFICIENCY, TYPE I; NEUROAXONAL DYSTROPHY, SCHINDLER TYPE; SCHINDLER DISEASE, TYPE I; ALPHA-N-ACETYLGALACTOSAMINIDASE DEFICIENCY, TYPE I. Identifiers: Orphanet 3137, Orphanet 79279, Orphanet 79281, MedGen C1836544, MONDO:0012221, OMIM 609241.

Allele frequency attached by ClinVar (database versions not stated): 1000 Genomes Project 30x 0.00031; TOPMed 0.00036; 1000 Genomes Project 0.00040; gnomAD 0.00049 and 0.00052; gnomAD exomes 0.00074; ExAC 0.00096.
gnomAD v4.1: 1,091 of 1,614,124 alleles (0.068%); highest among the groups gnomAD compares: Non-Finnish European, 0.078%; 1 homozygote.

Submissions (13):

GeneDx
Classification: Uncertain significance. Last evaluated: 2026-10-20. Review status: criteria provided, single submitter. Criteria: GeneDx Variant Classification Process June 2021. Collection method: clinical testing. Allele origin: germline.
Comment: In silico analysis supports that this missense variant has a deleterious effect on protein structure/function; This variant is associated with the following publications: (PMID: 19683538, 27138754, 23045655, 11313741, 31589614, 2372288, 8071745, 31980526, 11251574, 8782044, 34670123)

Women's Health and Genetics/Laboratory Corporation of America, LabCorp
Classification: Uncertain significance. Last evaluated: 2026-01-12. Review status: criteria provided, single submitter. Criteria: LabCorp Variant Classification Summary - May 2015. Collection method: clinical testing. Allele origin: germline.
Comment: Variant summary: NAGA c.479C>G (p.Ser160Cys) results in a non-conservative amino acid change located in the Aldolase class I domain (IPR013785) of the encoded protein sequence. Algorithms developed to predict the effect of missense changes on protein structure and function all suggest that this variant is likely to be disruptive. The variant allele was found at a frequency of 0.00068 in 1614124 control chromosomes in the gnomAD database, including 1 homozygote. This frequency is not significantly higher than estimated for disease-causing variants in NAGA, allowing no conclusion about variant significance. c.479C>G has been observed in the compound heterozygous state in at least 1 individual affected with Alpha-N Deficiency (Keulemans_1996), however their sibling had the same genotype and was not clinically affected. These data do not allow any conclusion about variant significance. At least one publication reports experimental evidence evaluating an impact on protein function. The most pronounced variant effect results in <10% of normal activity and undetectable protein expression in patient fibroblasts (e.g. Keulemans_1996), and a maturation defect has also been noted in vitro (Clark_2012). The following publications have been ascertained in the context of this evaluation (PMID: 11313741, 34670123, 31980526, 23045655, 8782044, 11251574, 8071745). ClinVar contains an entry for this variant (Variation ID: 18165). Based on the evidence outlined above, the variant was classified as VUS-possibly pathogenic.

PreventionGenetics, part of Exact Sciences
Classification: Uncertain significance for NAGA-related condition. Last evaluated: 2025-06-13. Review status: criteria provided, single submitter. Criteria: ACMG Guidelines, 2015. Collection method: clinical testing. Allele origin: germline.
Comment: The NAGA c.479C>G variant is predicted to result in the amino acid substitution p.Ser160Cys. This variant has been reported in the compound heterozygous state in an individual with autosomal recessive N-acetylgalactosaminidase alpha deficiency and the proband's sibling who only had enzymic findings with no clinical symptoms (Keulemans et al. 1996. PubMed ID: 8782044). A functional study showed this variant reduces a-NAGA activity in fibroblasts (Keulemans et al. 1996. PubMed ID: 8782044). Structural analysis indicated that this variant weakens the hydrogen bonds and reduces binding energy, leading to detrimental effects (Clark et al. 2009. PubMed ID: 19683538; Meshach Paul and Rajasekaran. 2016. PubMed ID: 27138754 ). This variant is reported in 0.21% of alleles in individuals of European (Finnish) descent in gnomAD. However, in gnomAD v4 (available only on GRCh38), this variant is reported in 0.078% in a European (non-Finnish) subpopulation, including 1 homozygote. This population data is not consistent with this variant being a primary cause of disease. This variant has conflicting classifications listed in ClinVar ranging from uncertain to pathogenic. This variant is interpreted as uncertain.

Labcorp Genetics (formerly Invitae), Labcorp
Classification: Uncertain significance for Alpha-N-acetylgalactosaminidase deficiency type 1. Last evaluated: 2024-10-08. Review status: criteria provided, single submitter. Criteria: Invitae Variant Classification Sherloc (09022015). Collection method: clinical testing. Allele origin: germline.
Comment: This sequence change replaces serine, which is neutral and polar, with cysteine, which is neutral and slightly polar, at codon 160 of the NAGA protein (p.Ser160Cys). This variant is present in population databases (rs121434532, gnomAD 0.2%), and has an allele count higher than expected for a pathogenic variant. This missense change has been observed in individual(s) with alpha-NAGA deficiency (PMID: 8782044). In at least one individual the data is consistent with being in trans (on the opposite chromosome) from a pathogenic variant. ClinVar contains an entry for this variant (Variation ID: 18165). Invitae Evidence Modeling of protein sequence and biophysical properties (such as structural, functional, and spatial information, amino acid conservation, physicochemical variation, residue mobility, and thermodynamic stability) indicates that this missense variant is not expected to disrupt NAGA protein function with a negative predictive value of 80%. Experimental studies have shown that this missense change affects NAGA function (PMID: 8071745, 8782044, 23045655). In summary, the available evidence is currently insufficient to determine the role of this variant in disease. Therefore, it has been classified as a Variant of Uncertain Significance.

Blueprint Genetics
Classification: Uncertain significance. Last evaluated: 2023-10-16. Review status: criteria provided, single submitter. Criteria: ACMG Guidelines, 2015. Collection method: clinical testing. Allele origin: germline.

Revvity Omics, Revvity
Classification: Likely pathogenic. Last evaluated: 2022-12-19. Review status: criteria provided, single submitter. Criteria: ACMG Guidelines, 2015. Collection method: clinical testing. Allele origin: germline.

Victorian Clinical Genetics Services, Murdoch Childrens Research Institute
Classification: Uncertain significance for Alpha-N-acetylgalactosaminidase deficiency. Last evaluated: 2022-06-24. Review status: criteria provided, single submitter. Criteria: ACMG Guidelines, 2015. Collection method: clinical testing. Allele origin: germline. Inheritance: Autosomal recessive inheritance.
Comment: Based on the classification scheme VCGS_Germline_v1.3.4, this variant is classified as VUS-3A. Following criteria are met: 0102 - Loss of function is a known mechanism of disease in this gene and is associated with alpha-N-acetylgalactosaminidase deficiency (MONDO#0017779). (I) 0106 - This gene is associated with autosomal recessive disease. (I) 0115 - Variants in this gene are known to have variable expressivity. The clinical heterogeneity among individuals with alpha-N-acetylgalactosaminidase ranges from 'non-disease' to infantile neuroaxonal dystrophy (PMID:11313741). (I) 0200 - Variant is predicted to result in a missense amino acid change from serine to cysteine. (I) 0251 - This variant is heterozygous. (I) 0304 - Variant is present in gnomAD (v2) <0.01 for a recessive condition (215 heterozygotes, 0 homozygotes). (SP) 0502 - Missense variant with conflicting in silico predictions and uninformative conservation. (I) 0600 - Variant is located in the annotated Melibiase_2 (galactosidase A) domain (NCBI, DECIPHER, PDB). (I) 0705 - No comparable missense variants have previous evidence for pathogenicity. (I) 0803 - This variant has limited previous evidence of pathogenicity. This variant has been reported as likely pathogenic or pathogenic (at least 5 times) and as a VUS (at least 5 times) across ClinVar and LOVD. In the literature, it has been reported in 2 siblings who were compound heterozygous for this variant and p.(Glu325Lys). However, only one sibling was reported as being clinically affected. The other sibling with the same genotype did not present with overt clinical symptoms at time of examination (PMID: 8782044; 11313741) (SP) 1001 - This variant has strong functional evidence supporting abnormal protein function. Reduced α-NAGA activity in fibroblasts of one sibling compound heterozygous for p.(Ser160Cys) and p.(Glu325Lys). α-NAGA activity of the unaffected sibling was not tested (PMID: 8782044). (SP) 1208 - Inheritance information for this variant is not currently available in this individual. (I) Legend: (SP) - Supporting pathogenic, (I) - Information, (SB) - Supporting benign

Mayo Clinic Laboratories, Mayo Clinic
Classification: Uncertain significance. Last evaluated: 2021-05-27. Review status: criteria provided, single submitter. Criteria: ACMG Guidelines, 2015. Collection method: clinical testing. Allele origin: germline.

CeGaT Center for Human Genetics Tuebingen
Classification: Pathogenic. Last evaluated: 2017-09-01. Review status: criteria provided, single submitter. Criteria: CeGaT Center For Human Genetics Tuebingen Variant Classification Criteria Version 2. Collection method: clinical testing. Allele origin: germline. Affected: yes. Observed: 1 variant allele.

Illumina Laboratory Services, Illumina
Classification: Uncertain significance for Alpha-N-acetylgalactosaminidase deficiency type 1. Last evaluated: 2017-04-27. Review status: criteria provided, single submitter. Criteria: ICSL Variant Classification Criteria 13 December 2019. Collection method: clinical testing. Allele origin: germline.

Illumina Laboratory Services, Illumina
Classification: Uncertain significance for Alpha-N-acetylgalactosaminidase deficiency type 2. Last evaluated: 2017-04-27. Review status: criteria provided, single submitter. Criteria: ICSL Variant Classification Criteria 13 December 2019. Collection method: clinical testing. Allele origin: germline.

Laboratory for Molecular Medicine, Mass General Brigham Personalized Medicine
Classification: Likely pathogenic for Kanzaki disease, Schindler disease. Last evaluated: 2013-11-26. Review status: criteria provided, single submitter. Criteria: LMM Criteria. Collection method: clinical testing. Allele origin: germline. Inheritance: Autosomal recessive inheritance. Observed: 1 variant allele. Study: CSER-MedSeq.
Comment: The Ser160Cys variant in NAGA has been previously identified in 1 compound heterozygous individual with Alpha-N-acetylgalactosaminidase (NAGA) deficiency and segregated with enzyme deficiency in a sibling (Keulemans 1996). Functional studies indicate this variant results in 4% residual NAGA activity possibly explaining the milder than typical phenotype, particularly in the clinically unaffected sibling with reduced enzyme activity (Keulemans 1996). In summary, this variant is likely pathogenic, though additional studies are required to fully establish its clinical significance.

OMIM
Classification: Pathogenic for SCHINDLER DISEASE, TYPE III. Last evaluated: 1996-06-01. Review status: no assertion criteria provided. Collection method: literature only. Allele origin: germline. Not counted in ClinVar's aggregate classification.

Literature cited by the submitters: PubMed 11313741 (cited by Women's Health and Genetics/Laboratory Corporation of America, LabCorp and Victorian Clinical Genetics Services, Murdoch Childrens Research Institute); PubMed 8782044 (cited by 5 submitters); PubMed 11251574 (cited by Women's Health and Genetics/Laboratory Corporation of America, LabCorp); PubMed 31980526 (cited by Women's Health and Genetics/Laboratory Corporation of America, LabCorp); PubMed 23045655 (cited by Women's Health and Genetics/Laboratory Corporation of America, LabCorp and Labcorp Genetics (formerly Invitae), Labcorp); PubMed 8071745 (cited by 3 submitters); PubMed 34670123 (cited by Women's Health and Genetics/Laboratory Corporation of America, LabCorp); PubMed 2372288 (cited by OMIM).

NM_000262.3(NAGA):c.479C>G (p.Ser160Cys)

Genes: NAGA (alpha-N-acetylgalactosaminidase; minus strand), LOC126863160 (CDK7 strongly-dependent group 2 enhancer GRCh37_chr22:42462918-42464117; plus strand). Cytogenetic location: 22q13.2.
Variant type: single nucleotide variant.
Coding change: c.479C>G on transcript NM_000262.3 (MANE Select); coding-DNA position 479, C replaced by G.
Protein change: p.Ser160Cys; replaces serine 160 with cysteine.
Molecular consequence: missense variant.
Genome position (GRCh38, 1-based): chr22:42,067,136, G>C on the plus strand (C>G on the coding strand, the complement: NAGA is on the minus strand). VCF-style: chr22-42067136-G-C. GRCh37 (hg19) VCF-style: chr22-42463140-G-C.
Other names: c.479C>G, p.Ser160Cys (NM_001362848.1, NM_001362850.1); short protein forms S160C.
Identifiers: ClinVar variation 18165 (VCV000018165.76), dbSNP rs121434532, ClinGen allele CA127852.